The following is an entry in ClinVar:

NM_000455.5(STK11):c.735-6_735-2del

Gene: STK11 (serine/threonine kinase 11; plus strand). Cytogenetic location: 19p13.3.
Variant type: Deletion.
Coding change: c.735-6_735-2del on transcript NM_000455.5 (MANE Select); 6 bases into the intron before coding-DNA position 735 through the canonical splice acceptor site of the intron before coding-DNA position 735, 5 bases deleted (ATGAA; older notation c.735-6_735-2delATGAA).
Molecular consequence: splice acceptor variant.
Genome position (GRCh38, 1-based): chr19:1,221,207-1,221,211, ATGAA deleted; deleting any 5 consecutive bases within chr19:1,221,204-1,221,211 gives the same sequence; the c. name uses the placement nearest the transcript's 3' end. VCF-style (leftmost placement, unchanged base first): chr19-1221203-CGAAAT-C. GRCh37 (hg19) VCF-style: chr19-1221202-CGAAAT-C.
Other names: c.735-9_735-5delGAAAT (NM_000455.4); c.735-6_735-2delATGAA (NM_000455.4).
Identifiers: ClinVar variation 371789 (VCV000371789.26), dbSNP rs759090799, ClinGen allele CA338202.

ClinVar aggregate classification (germline): Conflicting classifications of pathogenicity. Review status: criteria provided, conflicting classifications (1 of 4 stars). 9 submissions from 9 submitters: Uncertain significance (2); Benign (1); Likely benign (5). 1 of the submissions does not count toward it. Last evaluated 2026-01-24.

Conditions:
Peutz-Jeghers syndrome (PJS). Also called: Peutz-Jeghers polyposis; Periorificial lentiginosis syndrome; POLYPOSIS, HAMARTOMATOUS INTESTINAL; POLYPS-AND-SPOTS SYNDROME. Identifiers: Orphanet 2869, MedGen C0031269, MeSH D010580, MONDO:0008280, OMIM 175200.
Familial pancreatic carcinoma. Identifiers: Orphanet 1333, MedGen C2931038, MONDO:0015278, OMIM 260350.
Hereditary cancer-predisposing syndrome. Also called: Tumor predisposition; Hereditary Cancer Syndrome; Hereditary neoplastic syndrome; Neoplastic Syndromes, Hereditary. Identifiers: Orphanet 140162, MedGen C0027672, MeSH D009386, MONDO:0015356.

Submissions (9):

Labcorp Genetics (formerly Invitae), Labcorp
Classification: Likely benign for Peutz-Jeghers syndrome. Last evaluated: 2026-01-24. Review status: criteria provided, single submitter. Criteria: Invitae Variant Classification Sherloc (09022015). Collection method: clinical testing. Allele origin: germline.

Myriad Genetics, Inc.
Classification: Likely benign for Peutz-Jeghers syndrome. Last evaluated: 2023-04-12. Review status: criteria provided, single submitter. Criteria: Myriad Autosomal Dominant, Autosomal Recessive and X-Linked Classification Criteria (2023). Collection method: clinical testing. Allele origin: unknown.
Comment: This variant is considered likely benign. This variant is intronic and is not expected to impact mRNA splicing.

Ambry Genetics
Classification: Benign for Hereditary cancer-predisposing syndrome. Last evaluated: 2022-07-20. Review status: criteria provided, single submitter. Criteria: Ambry Variant Classification Scheme 2023. Collection method: clinical testing. Allele origin: germline.

Sema4
Classification: Likely benign for Hereditary cancer-predisposing syndrome. Last evaluated: 2021-11-27. Review status: criteria provided, single submitter. Criteria: Sema4 Curation Guidelines. Collection method: curation. Allele origin: germline.

Genome-Nilou Lab
Classification: Uncertain significance for Peutz-Jeghers syndrome. Last evaluated: 2021-07-15. Review status: criteria provided, single submitter. Criteria: ACMG Guidelines, 2015. Collection method: clinical testing. Allele origin: germline. Affected: no.

Department of Pathology and Laboratory Medicine, Sinai Health System
Classification: Uncertain significance for Peutz-Jeghers syndrome; Familial pancreatic carcinoma. Last evaluated: 2019-11-29. Review status: criteria provided, single submitter. Criteria: ACMG Guidelines, 2015. Collection method: clinical testing. Allele origin: germline. Affected: yes.

GeneDx
Classification: Likely benign. Last evaluated: 2018-06-26. Review status: criteria provided, single submitter. Criteria: GeneDx Variant Classification Process June 2021. Collection method: clinical testing. Allele origin: germline. Affected: yes.

Color Diagnostics, LLC DBA Color Health
Classification: Likely benign for Hereditary cancer-predisposing syndrome. Last evaluated: 2016-07-12. Review status: criteria provided, single submitter. Criteria: ACMG Guidelines, 2015. Collection method: clinical testing. Allele origin: germline.

Counsyl
Classification: Uncertain significance for Peutz-Jeghers syndrome. Last evaluated: 2015-11-18. Review status: no assertion criteria provided. Collection method: clinical testing. Allele origin: unknown. Not counted in ClinVar's aggregate classification.